The following is an entry in ClinVar:

NM_001267550.2(TTN):c.67058-1G>A

Genes: TTN-AS1 (TTN antisense RNA 1; plus strand), TTN (titin; minus strand). Cytogenetic location: 2q31.2.
Variant type: single nucleotide variant.
Coding change: c.67058-1G>A on transcript NM_001267550.2 (MANE Select); the canonical splice acceptor site of the intron before coding-DNA position 67058, G replaced by A.
Molecular consequence: splice acceptor variant.
Genome position (GRCh38, 1-based): chr2:178,580,230, C>T on the plus strand (G>A on the coding strand, the complement: TTN is on the minus strand). VCF-style: chr2-178580230-C-T. GRCh37 (hg19) VCF-style: chr2-179444957-C-T.
Other names: c.39863-1G>A (NM_003319.4); c.40439-1G>A (NM_133437.4); c.40238-1G>A (NM_133432.3); c.59354-1G>A (NM_133378.4); c.62135-1G>A (NM_001256850.1).
Identifiers: ClinVar variation 2948800 (VCV002948800.3), dbSNP rs756715989, ClinGen allele CA1991370.

ClinVar aggregate classification (germline): Likely pathogenic (1 of 4 stars; one submission).

Conditions:
Dilated cardiomyopathy 1G (CMD1G). Identifiers: Orphanet 154, MedGen C1858763, MONDO:0011400, OMIM 604145.
Autosomal recessive limb-girdle muscular dystrophy type 2J (LGMDR10). Also called: Limb-girdle muscular dystrophy, type 2J; MUSCULAR DYSTROPHY, LIMB-GIRDLE, AUTOSOMAL RECESSIVE 10. Identifiers: Orphanet 140922, MedGen C1837342, MONDO:0012127, OMIM 608807.

Allele frequency attached by ClinVar (database versions not stated): gnomAD exomes below 0.00001; ExAC 0.00001.
gnomAD v4.1: 1 of 1,611,548 alleles (0.000062%); highest among the groups gnomAD compares: South Asian, 0.0011%; no homozygotes.

Submission:

Labcorp Genetics (formerly Invitae), Labcorp
Classification: Likely pathogenic for Dilated cardiomyopathy 1G; Autosomal recessive limb-girdle muscular dystrophy type 2J. Last evaluated: 2024-05-27. Review status: criteria provided, single submitter. Criteria: Invitae Variant Classification Sherloc (09022015). Collection method: clinical testing. Allele origin: germline.
Comment: This sequence change affects an acceptor splice site in intron 317 of the TTN gene. It is expected to disrupt RNA splicing and likely results in a truncated or disrupted TTN protein. This variant is present in population databases (rs756715989, gnomAD 0.003%). This variant has not been reported in the literature in individuals affected with TTN-related conditions. Algorithms developed to predict the effect of sequence changes on RNA splicing suggest that this variant may disrupt the consensus splice site. This variant is located in the A band of TTN (PMID: 25589632). Truncating variants in this region are significantly overrepresented in patients affected with dilated cardiomyopathy (PMID: 25589632). Truncating variants in this region have also been reported in individuals affected with autosomal recessive centronuclear myopathy (PMID: 23975875). In summary, the currently available evidence indicates that the variant is pathogenic, but additional data are needed to prove that conclusively. Therefore, this variant has been classified as Likely Pathogenic.

Literature cited by the submitters: PubMed 25589632; PubMed 23975875.